The following is an entry in ClinVar:

ClinVar aggregate classification (germline): Uncertain significance (1 of 4 stars; one submission).

Submission:

Labcorp Genetics (formerly Invitae), Labcorp
Classification: Uncertain significance. Last evaluated: 2024-04-15. Review status: criteria provided, single submitter. Criteria: Invitae Variant Classification Sherloc (09022015). Collection method: clinical testing. Allele origin: germline.
Comment: This sequence change replaces arginine, which is basic and polar, with histidine, which is basic and polar, at codon 29 of the PPA2 protein (p.Arg29His). This variant is not present in population databases (gnomAD no frequency). This variant has not been reported in the literature in individuals affected with PPA2-related conditions. ClinVar contains an entry for this variant (Variation ID: 1421221). Algorithms developed to predict the effect of missense changes on protein structure and function output the following: SIFT: "Not Available"; PolyPhen-2: "Benign"; Align-GVGD: "Not Available". The histidine amino acid residue is found in multiple mammalian species, which suggests that this missense change does not adversely affect protein function. In summary, the available evidence is currently insufficient to determine the role of this variant in disease. Therefore, it has been classified as a Variant of Uncertain Significance.

NM_176869.3(PPA2):c.86G>A (p.Arg29His)

Gene: PPA2 (inorganic pyrophosphatase 2; minus strand). Cytogenetic location: 4q24.
Variant type: single nucleotide variant.
Coding change: c.86G>A on transcript NM_176869.3 (MANE Select); coding-DNA position 86, G replaced by A.
Protein change: p.Arg29His; replaces arginine 29 with histidine.
Molecular consequence: missense variant.
Genome position (GRCh38, 1-based): chr4:105,473,965, C>T on the plus strand (G>A on the coding strand, the complement: PPA2 is on the minus strand). VCF-style: chr4-105473965-C-T. GRCh37 (hg19) VCF-style: chr4-106395122-C-T.
Other names: c.86G>A, p.Arg29His (NM_006903.4, NM_176866.2, NM_176867.3); short protein forms R29H.
Identifiers: ClinVar variation 1421221 (VCV001421221.6), dbSNP rs2110340010, ClinGen allele CA357968006.